The following is an entry in ClinVar:

NM_000388.4(CASR):c.1714G>T (p.Glu572Ter)

Gene: CASR (calcium sensing receptor; plus strand). Cytogenetic location: 3q21.1.
Variant type: single nucleotide variant.
Coding change: c.1714G>T on transcript NM_000388.4 (MANE Select); coding-DNA position 1714, G replaced by T.
Protein change: p.Glu572Ter; replaces glutamic acid 572 with a stop codon.
Molecular consequence: nonsense.
Genome position (GRCh38, 1-based): chr3:122,282,218, G>T. VCF-style: chr3-122282218-G-T. GRCh37 (hg19) VCF-style: chr3-122001065-G-T.
Other names: c.1744G>T, p.Glu582Ter (NM_001178065.2); short protein forms E572*, E582*.
Identifiers: ClinVar variation 1778616 (VCV001778616.3), dbSNP rs2107648387, ClinGen allele CA354156336.
Genomic context (GRCh38, chr3:122,282,218, plus strand): 5'-AAAGGGATCATTGAGGGGGAGCCCACCTGCTGCTTTGAGTGTGTGGAGTGTCCTGATGGG[G>T]AGTATAGTGATGAGACAGGTAAGGGAACCCCTCTTGGGCACTGTGCAGGGCTTGGTCCAC-3'

ClinVar aggregate classification (germline): Pathogenic. Review status: criteria provided, single submitter (1 of 4 stars). 2 submissions from 2 submitters: Pathogenic (1). 1 of the submissions does not count toward it. Last evaluated 2022-10-07.

Conditions:
Familial hypocalciuric hypercalcemia 1. Also called: Hypercalcemia, familial benign type 1. Identifiers: Orphanet 405, Orphanet 93372, MedGen C0342637, MONDO:0007791, OMIM 145980.
Nephrolithiasis/nephrocalcinosis. Identifiers: MedGen CN580796.

Submissions (2):

Ambry Genetics
Classification: Pathogenic for Nephrolithiasis/nephrocalcinosis. Last evaluated: 2022-10-07. Review status: criteria provided, single submitter. Criteria: Ambry Variant Classification Scheme 2023. Collection method: clinical testing. Allele origin: germline.
Comment: The p.E572* pathogenic mutation (also known as c.1714G>T), located in coding exon 5 of the CASR gene, results from a G to T substitution at nucleotide position 1714. This changes the amino acid from a glutamic acid to a stop codon within coding exon 5. This alteration occurs at the 3' terminus of the CASR gene, is not expected to trigger nonsense-mediated mRNA decay, and only impacts the last 47% of the protein. However, premature stop codons are typically deleterious in nature. In addition, the impacted region is critical for protein function, and a significant portion of the protein is affected (Ambry internal data). This variant is considered to be rare based on population cohorts in the Genome Aggregation Database (gnomAD). Based on the supporting evidence, this variant is expected to be causative of neonatal hyperparathyroidism and CASR-related hypocalciuric hypercalcemia; however, its clinical significance for hypocalcemia is unclear.

Cardiovascular Genetics Laboratory, PathWest Laboratory Medicine WA - Fiona Stanley Hospital
Classification: Likely pathogenic for Familial hypocalciuric hypercalcemia 1. Last evaluated: 2024-04-29. Review status: no assertion criteria provided. Criteria: ACMG Guidelines, 2015. Collection method: clinical testing. Allele origin: germline. Not counted in ClinVar's aggregate classification.